The following is an entry in ClinVar:

NM_003673.4(TCAP):c.472C>A (p.Arg158Ser)

Gene: TCAP (titin-cap; plus strand). Cytogenetic location: 17q12.
Variant type: single nucleotide variant.
Coding change: c.472C>A on transcript NM_003673.4 (MANE Select); coding-DNA position 472, C replaced by A.
Protein change: p.Arg158Ser; replaces arginine 158 with serine.
Molecular consequence: missense variant.
Genome position (GRCh38, 1-based): chr17:39,666,077, C>A. VCF-style: chr17-39666077-C-A. GRCh37 (hg19) VCF-style: chr17-37822330-C-A.
Other names: short protein forms R158S.
Identifiers: ClinVar variation 44711 (VCV000044711.36), dbSNP rs397516863, ClinGen allele CA134928.
Genomic context (GRCh38, chr17:39,666,077, plus strand): 5'-AAGCAGCTGCCCCCTGTGGTGCCTGTCAGCAAGCCCGGTGCACTTCGTCGCTCCCTGTCC[C>A]GCTCCATGTCCCAGGAAGCACAGAGAGGCTGAGAGGGACTGTGACTTGGGCTCCGCTGTG-3'
Protein context (NP_003664.1, residues 148-167): KPGALRRSLS[Arg158Ser]SMSQEAQRG

ClinVar aggregate classification (germline): Pathogenic/Likely pathogenic. Review status: criteria provided, multiple submitters, no conflicts (2 of 4 stars). 9 submissions from 9 submitters: Pathogenic (2); Likely pathogenic (5). 2 of the submissions do not count toward it. Last evaluated 2026-09-22.

Conditions:
TCAP-related disorder. Also called: TCAP-related condition.
Cardiomyopathy (CMYO). Also called: Cardiomyopathies. Identifiers: Orphanet 167848, MedGen C0878544, MONDO:0004994, HP:0001638. Inheritance: Various modes of inheritance.
Hypertrophic cardiomyopathy. Also called: HYPERTROPHIC MYOCARDIOPATHY. Identifiers: Orphanet 217569, MedGen C0007194, MeSH D002312, MONDO:0005045, HP:0001639.
Primary familial hypertrophic cardiomyopathy (HCM). Identifiers: Orphanet 99739, MedGen C0949658, MeSH D024741, MONDO:0024573. Inheritance: Various modes of inheritance.
Hypertrophic cardiomyopathy 25 (CMH25). Also called: CARDIOMYOPATHY, FAMILIAL HYPERTROPHIC, 25. Identifiers: MedGen C4225408, MONDO:0011843, OMIM 607487.

Allele frequency attached by ClinVar (database versions not stated): TOPMed 0.00001.

Submissions (9):

GeneDx
Classification: Likely pathogenic. Last evaluated: 2026-09-22. Review status: criteria provided, single submitter. Criteria: GeneDx Variant Classification Process June 2021. Collection method: clinical testing. Allele origin: germline.
Comment: Reported in several individuals with DCM or LVNC; at least one individual harbored an additional variant that was thought to contribute to the phenotype (PMID: 26084686, 27532257, 24503780, 35026164; Cuesta-Llavona et al., 2022, DOI 10.3390/cardiogenetics12020018); Not observed at significant frequency in large population cohorts (gnomAD); Missense variants in this gene are a common cause of disease and they are underrepresented in the general population; In silico analysis supports that this missense variant has a deleterious effect on protein structure/function; This variant is associated with the following publications: (PMID: 24503780, 27532257, Cuesta-Llavona_2022_Cardiogenetics, 16490376, 26084686, 35026164)

Labcorp Genetics (formerly Invitae), Labcorp
Classification: Pathogenic for Hypertrophic cardiomyopathy 25; Primary familial hypertrophic cardiomyopathy. Last evaluated: 2026-01-28. Review status: criteria provided, single submitter. Criteria: Invitae Variant Classification Sherloc (09022015). Collection method: clinical testing. Allele origin: germline.
Comment: This sequence change replaces arginine, which is basic and polar, with serine, which is neutral and polar, at codon 158 of the TCAP protein (p.Arg158Ser). This variant is not present in population databases (gnomAD no frequency). This missense change has been observed in individuals with autosomal dominant dilated cardiomyopathy (PMID: 26084686, 27532257; internal data). It has also been observed to segregate with disease in related individuals. ClinVar contains an entry for this variant (Variation ID: 44711). An algorithm developed to predict the effect of missense changes on protein structure and function (PolyPhen-2) suggests that this variant is likely to be disruptive. This variant disrupts the p.Arg158 amino acid residue in TCAP. Other variant(s) that disrupt this residue have been observed in individuals with TCAP-related conditions (PMID: 24037902; internal data), which suggests that this may be a clinically significant amino acid residue. For these reasons, this variant has been classified as Pathogenic.

PreventionGenetics, part of Exact Sciences
Classification: Likely pathogenic for TCAP-related condition. Last evaluated: 2025-10-01. Review status: criteria provided, single submitter. Criteria: ACMG Guidelines, 2015. Collection method: clinical testing. Allele origin: germline.
Comment: The TCAP c.472C>A variant is predicted to result in the amino acid substitution p.Arg158Ser. This variant has been reported in multiple individuals with dilated cardiomyopathy (Table S1, Pugh et al. 2014. PubMed ID: 24503780; Table S2, Akinrinade et al. 2015. PubMed ID: 26084686; Table S1B, Walsh et al. 2016. PubMed ID: 27532257; Supplementary Table, Ware et al. 2022. PubMed ID: 35026164; Cuesta-Llavona et al. 2022. DOI 10.3390/cardiogenetics12020018). At PreventionGenetics, we previously identified this variant in 3 additional individuals with cardiomyopathy. This variant has not been reported in a large population database (gnomAD), indicating it is rare. This variant has conflicting interpretations regarding its pathogenicity in ClinVar, ranging from pathogenic to uncertain (Variation ID: 44711). A different substitution at this amino acid position (p.Arg158Cys) has also been reported in an individual with dilated cardiomyopathy (Hirtle-Lewis et al. 2013. PubMed ID: 24037902). Taken together, the c.472C>A (p.Arg158Ser) variant is interpreted as likely pathogenic.

Women's Health and Genetics/Laboratory Corporation of America, LabCorp
Classification: Likely pathogenic for Cardiomyopathy. Last evaluated: 2025-01-06. Review status: criteria provided, single submitter. Criteria: LabCorp Variant Classification Summary - May 2015. Collection method: clinical testing. Allele origin: germline.
Comment: Variant summary: TCAP c.472C>A (p.Arg158Ser) results in a non-conservative amino acid change located in the Telethonin protein (IPR015667) of the encoded protein sequence. Five of five in-silico tools predict a damaging effect of the variant on protein function. The variant was absent in 241542 control chromosomes. c.472C>A has been reported in the literature in individuals affected with Cardiomyopathy (Pugh_2014, Akinrinade_2015, Walsh_2017, Invitae) and segregates with disease. These data indicate that the variant is likely to be associated with disease. To our knowledge, no experimental evidence demonstrating an impact on protein function has been reported.The following publications have been ascertained in the context of this evaluation (PMID: 24503780, 26084686, 27532257). ClinVar contains an entry for this variant (Variation ID: 44711). Based on the evidence outlined above, the variant was classified as likely pathogenic.

Athena Diagnostics
Classification: Likely pathogenic. Last evaluated: 2024-09-30. Review status: criteria provided, single submitter. Criteria: Athena Diagnostics Criteria. Collection method: clinical testing. Allele origin: unknown.
Comment: This variant has not been reported in large, multi-ethnic general populations. This variant has been identified in multiple unrelated individuals with clinical features of autosomal dominant dilated cardiomyopathy. Computational tools yielded predictions that this variant may result in the gain of a cryptic splice site without affecting the natural splice sites. Polyphen and MutationTaster yielded discordant predictions regarding whether this amino acid change is damaging to the protein.

Blueprint Genetics
Classification: Pathogenic for TCAP-related disorders. Last evaluated: 2024-06-12. Review status: criteria provided, single submitter. Criteria: ACMG Guidelines, 2015. Collection method: clinical testing. Allele origin: germline. Affected: yes. Observed: 2 variant alleles.

Center for Advanced Laboratory Medicine, UC San Diego Health, University of California San Diego
Classification: Likely pathogenic for Hypertrophic cardiomyopathy. Last evaluated: 2018-12-14. Review status: criteria provided, single submitter. Criteria: ACMG Guidelines, 2015. Collection method: clinical testing. Allele origin: germline. Affected: yes. Observed: 1 variant allele.

Revvity Omics, Revvity
Classification: Uncertain significance. Last evaluated: 2020-02-24. Review status: flagged submission. Criteria: ACMG Guidelines, 2015. Collection method: clinical testing. Allele origin: germline. Not counted in ClinVar's aggregate classification.
ClinVar note: Reason: Outlier claim with insufficient supporting evidence

Laboratory for Molecular Medicine, Mass General Brigham Personalized Medicine
Classification: Uncertain significance. Last evaluated: 2012-09-21. Review status: flagged submission. Criteria: LMM Criteria. Collection method: clinical testing. Allele origin: germline. Observed: 4 variant alleles. Not counted in ClinVar's aggregate classification.
Comment: The Arg158Ser variant in TCAP has not been reported in the literature. It has be en identified by our laboratory in 2 individuals with DCM, one of whom carried a second, likely pathogenic variant. Computational analyses (biochemical amino ac id properties, conservation, AlignGVGD, PolyPhen2, and SIFT) suggest that this v ariant may impact the protein, though this information is not predictive enough to determine pathogenicity. Additional information is needed to fully assess the clinical significance of this variant.
ClinVar note: Reason: Older and outlier claim with insufficient supporting evidence

Literature cited by the submitters: PubMed 26084686 (cited by 3 submitters); PubMed 27532257 (cited by 3 submitters); PubMed 24037902 (cited by Labcorp Genetics (formerly Invitae), Labcorp); PubMed 24503780 (cited by Women's Health and Genetics/Laboratory Corporation of America, LabCorp and Athena Diagnostics); PubMed 35026164 (cited by Athena Diagnostics).